The following is an entry in ClinVar:

NM_001609.4(ACADSB):c.542C>T (p.Ala181Val)

Gene: ACADSB (acyl-CoA dehydrogenase short/branched chain; plus strand). Cytogenetic location: 10q26.13.
Variant type: single nucleotide variant.
Coding change: c.542C>T on transcript NM_001609.4 (MANE Select); coding-DNA position 542, C replaced by T.
Protein change: p.Ala181Val; replaces alanine 181 with valine.
Molecular consequence: missense variant.
Genome position (GRCh38, 1-based): chr10:123,041,240, C>T. VCF-style: chr10-123041240-C-T. GRCh37 (hg19) VCF-style: chr10-124800756-C-T.
Other names: c.236C>T, p.Ala79Val (NM_001330174.3); short protein forms A181V, A79V.
Identifiers: ClinVar variation 2698831 (VCV002698831.3), dbSNP rs1266165912, ClinGen allele CA378618713.

ClinVar aggregate classification (germline): Uncertain significance (1 of 4 stars; one submission).

Conditions:
Deficiency of 2-methylbutyryl-CoA dehydrogenase (ACADSB). Also called: 2-methylbutyryl-CoA dehydrogenase deficiency; SBCAD deficiency; 2-methylbutyric aciduria; Short branched-chain acyl-CoA dehydrogenase deficiency; 2-methylbutyrylglycinuria. Identifiers: Orphanet 79157, MedGen C1864912, MONDO:0012392, OMIM 610006, HP:0020147.

Submission:

Labcorp Genetics (formerly Invitae), Labcorp
Classification: Uncertain significance for Deficiency of 2-methylbutyryl-CoA dehydrogenase. Last evaluated: 2023-06-09. Review status: criteria provided, single submitter. Criteria: Invitae Variant Classification Sherloc (09022015). Collection method: clinical testing. Allele origin: germline.
Comment: In summary, the available evidence is currently insufficient to determine the role of this variant in disease. Therefore, it has been classified as a Variant of Uncertain Significance. Advanced modeling of protein sequence and biophysical properties (such as structural, functional, and spatial information, amino acid conservation, physicochemical variation, residue mobility, and thermodynamic stability) performed at Invitae indicates that this missense variant is not expected to disrupt ACADSB protein function. This missense change has been observed in individual(s) with a positive newborn screening result for ACADSB-related disease (Invitae). This variant is not present in population databases (gnomAD no frequency). This sequence change replaces alanine, which is neutral and non-polar, with valine, which is neutral and non-polar, at codon 181 of the ACADSB protein (p.Ala181Val).